The following is an entry in ClinVar:

NM_000245.4(MET):c.3060A>G (p.Ser1020=)

Gene: MET (MET proto-oncogene, receptor tyrosine kinase; plus strand). Cytogenetic location: 7q31.2.
Variant type: single nucleotide variant.
Coding change: c.3060A>G on transcript NM_000245.4 (MANE Select); coding-DNA position 3060, A replaced by G.
Protein change: p.Ser1020=; no amino-acid change (serine 1020 retained).
Molecular consequence: synonymous variant.
Genome position (GRCh38, 1-based): chr7:116,774,912, A>G. VCF-style: chr7-116774912-A-G. GRCh37 (hg19) VCF-style: chr7-116414966-A-G.
Other names: c.3114A>G, p.Ser1038= (NM_001127500.3); c.1770A>G, p.Ser590= (NM_001324402.2).
Identifiers: ClinVar variation 3773124 (VCV003773124.1).

ClinVar aggregate classification (germline): Benign (1 of 4 stars; one submission).

Conditions:
Papillary renal cell carcinoma type 1 (RCCP1). Also called: Renal adenocarcinoma; Renal cell carcinoma 1; Renal cell carcinoma, somatic; RENAL CELL CARCINOMA, PAPILLARY, 1, SOMATIC. Identifiers: Orphanet 47044, MedGen C1336839, OMIM 605074, HP:0011797.

Submission:

Myriad Genetics, Inc.
Classification: Benign for Papillary renal cell carcinoma type 1. Last evaluated: 2024-11-12. Review status: criteria provided, single submitter. Criteria: Myriad Autosomal Dominant, Autosomal Recessive and X-Linked Classification Criteria (2023). Collection method: clinical testing. Allele origin: unknown.
Comment: This variant is considered benign. This variant is a silent/synonymous amino acid change and it is not expected to impact splicing.